The following is an entry in ClinVar:

ClinVar aggregate classification (germline): Uncertain significance (1 of 4 stars; one submission).

Conditions:
Congenital myotonia, autosomal dominant form (THD). Also called: THOMSEN DISEASE; Myotonia congenita autosomal dominant. Identifiers: Orphanet 614, MedGen C2936781, MONDO:0008055, OMIM 160800.
Congenital myotonia, autosomal recessive form. Also called: Becker Generalized Myotonia; myotonia congenita, autosomal recessive; BECKER DISEASE. Identifiers: Orphanet 614, MedGen C0751360, MONDO:0009715, OMIM 255700.

gnomAD v4.1: 2 of 1,565,312 alleles (0.00013%); highest among the groups gnomAD compares: African/African-American, 0.0027%; no homozygotes.

Submission:

Labcorp Genetics (formerly Invitae), Labcorp
Classification: Uncertain significance for Congenital myotonia, autosomal recessive form; Congenital myotonia, autosomal dominant form. Last evaluated: 2025-09-07. Review status: criteria provided, single submitter. Criteria: Invitae Variant Classification Sherloc (09022015). Collection method: clinical testing. Allele origin: germline.
Comment: This sequence change replaces aspartic acid, which is acidic and polar, with glutamic acid, which is acidic and polar, at codon 687 of the CLCN1 protein (p.Asp687Glu). This variant is not present in population databases (gnomAD no frequency). This variant has not been reported in the literature in individuals affected with CLCN1-related conditions. ClinVar contains an entry for this variant (Variation ID: 3761101). Invitae Evidence Modeling of protein sequence and biophysical properties (such as structural, functional, and spatial information, amino acid conservation, physicochemical variation, residue mobility, and thermodynamic stability) indicates that this missense variant is not expected to disrupt CLCN1 protein function with a negative predictive value of 95%. In summary, the available evidence is currently insufficient to determine the role of this variant in disease. Therefore, it has been classified as a Variant of Uncertain Significance.

NM_000083.3(CLCN1):c.2061C>A (p.Asp687Glu)

Genes: CLCN1 (chloride voltage-gated channel 1; plus strand), LOC123956257 (Sharpr-MPRA regulatory region 4117; plus strand). Cytogenetic location: 7q34.
Variant type: single nucleotide variant.
Coding change: c.2061C>A on transcript NM_000083.3 (MANE Select); coding-DNA position 2061, C replaced by A.
Protein change: p.Asp687Glu; replaces aspartic acid 687 with glutamic acid.
Molecular consequence: missense variant. On other transcripts: non-coding transcript variant (1).
Genome position (GRCh38, 1-based): chr7:143,345,651, C>A. VCF-style: chr7-143345651-C-A. GRCh37 (hg19) VCF-style: chr7-143042744-C-A.
Other names: short protein forms D687E.
Identifiers: ClinVar variation 3761101 (VCV003761101.2).